The following is an entry in ClinVar:

Single allele

Genes: RWDD2A (RWD domain containing 2A; plus strand), DOP1A (DOP1 leucine zipper like protein A; plus strand), ME1 (malic enzyme 1; minus strand), PGM3 (phosphoglucomutase 3; minus strand), PRSS35 (serine protease 35; plus strand) and 3 more. Cytogenetic location: 6q14.1-14.2.
Variant type: Deletion.
Identifiers: ClinVar variation 224831 (VCV000224831.1).

ClinVar aggregate classification (germline): Pathogenic (1 of 4 stars; one submission).

Conditions:
Immunodeficiency 23 (IMD23). Also called: IMMUNODEFICIENCY WITH HYPER IgE AND COGNITIVE IMPAIRMENT; IMMUNODEFICIENCY-VASCULITIS-MYOCLONUS SYNDROME. Identifiers: Orphanet 443811, MedGen C4014371, MONDO:0014353, OMIM 615816.

Submission:

Lupski Lab, Baylor-Hopkins CMG, Baylor College of Medicine
Classification: Pathogenic for Immunodeficiency 23. Last evaluated: 2014-07-03. Review status: criteria provided, single submitter. Criteria: Stray-Pedersen et al. (AJHG 2014). Collection method: research. Allele origin: inherited. Inheritance: Autosomal recessive inheritance. Affected: yes and no. Observed: 2 variant alleles, 1 heterozygote, 1 compound heterozygote.
Comment: segregates with the phenotype in an affected family